The following is an entry in ClinVar:

NM_000278.5(PAX2):c.212+1G>T

Gene: PAX2 (paired box 2; plus strand). Cytogenetic location: 10q24.31.
Variant type: single nucleotide variant.
Coding change: c.212+1G>T on transcript NM_000278.5 (MANE Select); the canonical splice donor site of the intron after coding-DNA position 212, G replaced by T.
Molecular consequence: splice donor variant.
Genome position (GRCh38, 1-based): chr10:100,749,915, G>T. VCF-style: chr10-100749915-G-T. GRCh37 (hg19) VCF-style: chr10-102509672-G-T.
Other names: c.305+1G>T (NM_001304569.2); c.212+1G>T (NM_003987.5, NM_003990.5, NM_003988.5 and 1 more transcripts).
Identifiers: ClinVar variation 2086859 (VCV002086859.6), dbSNP rs2492893824, ClinGen allele CA378257767.
Genomic context (GRCh38, chr10:100,749,915, plus strand): 5'-CTGTGACATCTCCCGGCAGCTGCGGGTCAGCCACGGCTGTGTCAGCAAAATCCTGGGCAG[G>T]TGAGGGCTTCGCAGCTGTCCCGGGAGACGCCTTGCCTACTTCCCCGGCCAGCCCTGGGTC-3'

ClinVar aggregate classification (germline): Pathogenic/Likely pathogenic. Review status: criteria provided, multiple submitters, no conflicts (2 of 4 stars). 2 submissions from 2 submitters: Pathogenic (1); Likely pathogenic (1). Last evaluated 2023-12-01.

Conditions:
Focal segmental glomerulosclerosis 7 (FSGS7). Identifiers: Orphanet 656, MedGen C4014925, MONDO:0014451, OMIM 616002.
Renal coloboma syndrome (PAPRS). Also called: COLOBOMA OF OPTIC NERVE WITH RENAL DISEASE; OPTIC COLOBOMA, VESICOURETERAL REFLUX, AND RENAL ANOMALIES; OPTIC NERVE COLOBOMA WITH RENAL DISEASE; RENAL-COLOBOMA SYNDROME WITH MACULAR ABNORMALITIES; PAPILLORENAL SYNDROME WITH MILD OCULAR ABNORMALITIES; CONGENITAL ANOMALIES OF THE KIDNEY AND URINARY TRACT WITH OR WITHOUT OCULAR ABNORMALITIES. Identifiers: Orphanet 1475, MedGen C1852759, MONDO:0007352, OMIM 120330.

Submissions (2):

Precision Medicine Center, Zhengzhou University
Classification: Pathogenic for Focal segmental glomerulosclerosis 7. Last evaluated: 2023-12-01. Review status: criteria provided, single submitter. Criteria: ACMG Guidelines, 2015. Collection method: clinical testing. Allele origin: de novo.
Comment: PVS1,PS2,PM2_p

Labcorp Genetics (formerly Invitae), Labcorp
Classification: Likely pathogenic for Renal coloboma syndrome; Focal segmental glomerulosclerosis 7. Last evaluated: 2022-07-12. Review status: criteria provided, single submitter. Criteria: Invitae Variant Classification Sherloc (09022015). Collection method: clinical testing. Allele origin: germline.
Comment: This sequence change affects a donor splice site in intron 2 of the PAX2 gene. It is expected to disrupt RNA splicing. Variants that disrupt the donor or acceptor splice site typically lead to a loss of protein function (PMID: 16199547), and loss-of-function variants in PAX2 are known to be pathogenic (PMID: 11461952, 24676634). This variant is not present in population databases (gnomAD no frequency). This variant has not been reported in the literature in individuals affected with PAX2-related conditions. Algorithms developed to predict the effect of sequence changes on RNA splicing suggest that this variant may disrupt the consensus splice site. In summary, the currently available evidence indicates that the variant is pathogenic, but additional data are needed to prove that conclusively. Therefore, this variant has been classified as Likely Pathogenic.

Literature cited by the submitters: PubMed 16199547 (cited by Labcorp Genetics (formerly Invitae), Labcorp); PubMed 11461952 (cited by Labcorp Genetics (formerly Invitae), Labcorp); PubMed 24676634 (cited by Labcorp Genetics (formerly Invitae), Labcorp).